The following is an entry in ClinVar:

NM_020800.3(IFT80):c.2101G>C (p.Ala701Pro)

Genes: IFT80 (intraflagellar transport 80; minus strand), TRIM59-IFT80 (TRIM59-IFT80 readthrough (NMD candidate); minus strand). Cytogenetic location: 3q25.33.
Variant type: single nucleotide variant.
Coding change: c.2101G>C on transcript NM_020800.3 (MANE Select); coding-DNA position 2101, G replaced by C.
Protein change: p.Ala701Pro; replaces alanine 701 with proline.
Molecular consequence: missense variant. On other transcripts: non-coding transcript variant (3).
Genome position (GRCh38, 1-based): chr3:160,268,535, C>G on the plus strand (G>C on the coding strand, the complement: IFT80 is on the minus strand). VCF-style: chr3-160268535-C-G. GRCh37 (hg19) VCF-style: chr3-159986323-C-G.
Other names: c.2101G>C (NM_020800.2); c.1690G>C, p.Ala564Pro (NM_001190241.2, NM_001190242.2); short protein forms A701P, A564P.
Identifiers: ClinVar variation 991 (VCV000000991.6), dbSNP rs137853116, ClinGen allele CA114705.

ClinVar aggregate classification (germline): Conflicting classifications of pathogenicity. Review status: criteria provided, conflicting classifications (1 of 4 stars). 4 submissions from 4 submitters: Likely pathogenic (1); Uncertain significance (2). 1 of the submissions does not count toward it. Last evaluated 2024-12-30.

Conditions:
Jeune thoracic dystrophy. Also called: Infantile thoracic dystrophy; Thoracic pelvic phalangeal dystrophy; Jeune's syndrome; Chondroectodermal dysplasia-like syndrome; Short-rib thoracic dysplasia; Jeune syndrome. Identifiers: Orphanet 474, MedGen C0265275, MONDO:0018770.
Asphyxiating thoracic dystrophy 2 (SRTD2). Also called: SHORT-RIB THORACIC DYSPLASIA 2 WITH OR WITHOUT POLYDACTYLY; SHORT-RIB THORACIC DYSPLASIA 2 WITH POLYDACTYLY; SHORT-RIB THORACIC DYSPLASIA 2 WITHOUT POLYDACTYLY. Identifiers: Orphanet 474, MedGen C1970005, MONDO:0012644, OMIM 611263.

Allele frequency attached by ClinVar (database versions not stated): gnomAD exomes 0.00002 and 0.00003; gnomAD 0.00003; ExAC 0.00004; 1000 Genomes Project 30x 0.00062; 1000 Genomes Project 0.00080.
gnomAD v4.1: 36 of 1,612,852 alleles (0.0022%); highest among the groups gnomAD compares: South Asian, 0.036%; no homozygotes.

Submissions (4):

Revvity Omics, Revvity
Classification: Uncertain significance for Asphyxiating thoracic dystrophy 2. Last evaluated: 2024-12-30. Review status: criteria provided, single submitter. Criteria: ACMG Guidelines, 2015. Collection method: clinical testing. Allele origin: germline.

GeneDx
Classification: Likely pathogenic. Last evaluated: 2023-08-07. Review status: criteria provided, single submitter. Criteria: GeneDx Variant Classification Process June 2021. Collection method: clinical testing. Allele origin: germline. Affected: yes.
Comment: In silico analysis supports that this missense variant has a deleterious effect on protein structure/function; This variant is associated with the following publications: (PMID: Markova2022[Article], Ranganath2022[Abstract], 34429528, 17468754, 29658880)

Labcorp Genetics (formerly Invitae), Labcorp
Classification: Uncertain significance for Jeune thoracic dystrophy. Last evaluated: 2022-07-19. Review status: criteria provided, single submitter. Criteria: Invitae Variant Classification Sherloc (09022015). Collection method: clinical testing. Allele origin: germline.
Comment: This sequence change replaces alanine, which is neutral and non-polar, with proline, which is neutral and non-polar, at codon 701 of the IFT80 protein (p.Ala701Pro). This variant is present in population databases (rs137853116, gnomAD 0.03%). This missense change has been observed in individual(s) with Jeune asphyxiating thoracic dystrophy (PMID: 17468754). ClinVar contains an entry for this variant (Variation ID: 991). Algorithms developed to predict the effect of missense changes on protein structure and function (SIFT, PolyPhen-2, Align-GVGD) all suggest that this variant is likely to be disruptive. In summary, the available evidence is currently insufficient to determine the role of this variant in disease. Therefore, it has been classified as a Variant of Uncertain Significance.

OMIM
Classification: Pathogenic for SHORT-RIB THORACIC DYSPLASIA 2 WITHOUT POLYDACTYLY. Last evaluated: 2007-06-01. Review status: no assertion criteria provided. Collection method: literature only. Allele origin: germline. Not counted in ClinVar's aggregate classification.

Literature cited by the submitters: PubMed 17468754 (cited by Labcorp Genetics (formerly Invitae), Labcorp and OMIM).